The following is an entry in ClinVar:

GRCh37/hg19 8q24.3(chr8:143958418-143996344)

Genes: CYP11B1 (cytochrome P450 family 11 subfamily B member 1; minus strand), CYP11B2 (cytochrome P450 family 11 subfamily B member 2; minus strand). Cytogenetic location: 8q24.3.
Variant type: copy number loss.
Identifiers: ClinVar variation 1179210 (VCV001179210.2).

ClinVar aggregate classification (germline): Pathogenic (0 of 4 stars; one submission).

Conditions:
Corticosterone 18-monooxygenase deficiency. Also called: Aldosterone deficiency 1; 18 alpha hydroxylase deficiency; Corticosterone methyloxidase type 1 deficiency; CMO 1 deficiency; ALDOSTERONE DEFICIENCY DUE TO DEFECT IN STEROID 18-HYDROXYLASE; ALDOSTERONE DEFICIENCY I. Identifiers: Orphanet 427, MedGen C0268293, MONDO:0008751, OMIM 203400. Disease mechanism: loss of function.
Corticosterone methyloxidase type 2 deficiency. Also called: 18-OXIDASE DEFICIENCY; ALDOSTERONE DEFICIENCY DUE TO DEFICIENCY OF STEROID 18-OXIDASE; ALDOSTERONE DEFICIENCY II; CMO II DEFICIENCY; STEROID 18-OXIDASE DEFICIENCY. Identifiers: Orphanet 427, MedGen C3463917, MONDO:0012524, OMIM 610600. Disease mechanism: loss of function.

Submission:

Fulgent Genetics
Classification: Pathogenic for Corticosterone 18-monooxygenase deficiency; Corticosterone methyloxidase type 2 deficiency. Review status: no assertion criteria provided. Collection method: clinical testing. Allele origin: unknown.
Comment: This variant has been detected in individual(s) who were sent for testing of Renasight - kidney gene panel.